The following is an entry in ClinVar:

ClinVar aggregate classification (germline): Uncertain significance. Review status: criteria provided, multiple submitters, no conflicts (2 of 4 stars). 2 submissions from 2 submitters: Uncertain significance (2). Last evaluated 2025-10-14.

Allele frequency attached by ClinVar (database versions not stated): gnomAD 0.00004; gnomAD exomes 0.00004; TOPMed 0.00006; ExAC 0.00015.
gnomAD v4.1: 56 of 1,518,704 alleles (0.0037%); highest among the groups gnomAD compares: Admixed American, 0.019%; no homozygotes.

Submissions (2):

Ambry Genetics
Classification: Uncertain significance. Last evaluated: 2025-10-14. Review status: criteria provided, single submitter. Criteria: Ambry Variant Classification Scheme 2023. Collection method: clinical testing. Allele origin: germline.

Labcorp Genetics (formerly Invitae), Labcorp
Classification: Uncertain significance. Last evaluated: 2024-10-24. Review status: criteria provided, single submitter. Criteria: Invitae Variant Classification Sherloc (09022015). Collection method: clinical testing. Allele origin: germline.
Comment: This sequence change replaces glycine, which is neutral and non-polar, with serine, which is neutral and polar, at codon 506 of the KANK2 protein (p.Gly506Ser). This variant is present in population databases (rs762049569, gnomAD 0.05%). This variant has not been reported in the literature in individuals affected with KANK2-related conditions. ClinVar contains an entry for this variant (Variation ID: 2168808). An algorithm developed to predict the effect of missense changes on protein structure and function (PolyPhen-2) suggests that this variant is likely to be tolerated. In summary, the available evidence is currently insufficient to determine the role of this variant in disease. Therefore, it has been classified as a Variant of Uncertain Significance.

NM_001136191.3(KANK2):c.1516G>A (p.Gly506Ser)

Gene: KANK2 (KN motif and ankyrin repeat domains 2; minus strand). Cytogenetic location: 19p13.2.
Variant type: single nucleotide variant.
Coding change: c.1516G>A on transcript NM_001136191.3 (MANE Select); coding-DNA position 1516, G replaced by A.
Protein change: p.Gly506Ser; replaces glycine 506 with serine.
Molecular consequence: missense variant.
Genome position (GRCh38, 1-based): chr19:11,178,349, C>T on the plus strand (G>A on the coding strand, the complement: KANK2 is on the minus strand). VCF-style: chr19-11178349-C-T. GRCh37 (hg19) VCF-style: chr19-11289025-C-T.
Other names: c.1540G>A (NM_015493.6); c.1516G>A, p.Gly506Ser (NM_001329451.2, NM_001379555.1, NM_001379556.1 and 7 more transcripts); c.1540G>A, p.Gly514Ser (NM_001379548.1, NM_001379549.1, NM_001379550.1 and 5 more transcripts); short protein forms G514S, G506S.
Identifiers: ClinVar variation 2168808 (VCV002168808.5), dbSNP rs762049569, ClinGen allele CA9205647.
Genomic context (GRCh38, chr19:11,178,349, plus strand): 5'-ATGAATGGAGGAGGGGCGGGAAGTATGGGGTGGGGGGTGGGGTCTTCTCCTCTCACCCGC[C>T]GTTGACCCCCACGAACTGGAGGCTCCTCCGGTGGGCCGTGGGGTCTGCAACCTCCTCTTT-3'
Protein context (NP_001129663.1, residues 496-516): RRSLQFVGVN[Gly506Ser]GYESSSEDSS